The following is an entry in ClinVar:

NM_001458.5(FLNC):c.3458T>G (p.Phe1153Cys)

Gene: FLNC (filamin C; plus strand). Cytogenetic location: 7q32.1.
Variant type: single nucleotide variant.
Coding change: c.3458T>G on transcript NM_001458.5 (MANE Select); coding-DNA position 3458, T replaced by G.
Protein change: p.Phe1153Cys; replaces phenylalanine 1153 with cysteine.
Molecular consequence: missense variant.
Genome position (GRCh38, 1-based): chr7:128,844,923, T>G. VCF-style: chr7-128844923-T-G. GRCh37 (hg19) VCF-style: chr7-128484977-T-G.
Other names: c.3458T>G, p.Phe1153Cys (NM_001127487.2); short protein forms F1153C.
Identifiers: ClinVar variation 374757 (VCV000374757.24), dbSNP rs138663492, ClinGen allele CA4475045.

ClinVar aggregate classification (germline): Uncertain significance. Review status: criteria provided, multiple submitters, no conflicts (2 of 4 stars). 8 submissions from 8 submitters: Uncertain significance (8). Last evaluated 2026-06-17.

Conditions:
FLNC-related disorder. Also called: FLNC-related condition; FLNC-related disorders.
Distal myopathy with posterior leg and anterior hand involvement. Also called: WILLIAMS DISTAL MYOPATHY. Identifiers: Orphanet 63273, MedGen C3279722, MONDO:0013550, OMIM 614065.
Hypertrophic cardiomyopathy 26. Also called: Cardiomyopathy, familial hypertrophic, 26. Identifiers: Orphanet 75249, MedGen C4310749, MONDO:0014883, OMIM 617047.
Myofibrillar myopathy 5. Also called: Filaminopathy (type); FILAMINOPATHY, AUTOSOMAL DOMINANT. Identifiers: Orphanet 171445, MedGen C1836050, MONDO:0012289, OMIM 609524.
Cardiovascular phenotype. Identifiers: MedGen CN230736.

Allele frequency attached by ClinVar (database versions not stated): gnomAD 0.00006 and 0.00007; ExAC 0.00007; TOPMed 0.00008; 1000 Genomes Project 30x 0.00031; 1000 Genomes Project 0.00040.
gnomAD v4.1: 73 of 1,613,928 alleles (0.0045%); highest among the groups gnomAD compares: Middle Eastern, 0.016%; no homozygotes.

Submissions (8):

PreventionGenetics, part of Exact Sciences
Classification: Uncertain significance for FLNC-related condition. Last evaluated: 2026-06-17. Review status: criteria provided, single submitter. Criteria: ACMG Guidelines, 2015. Collection method: clinical testing. Allele origin: germline.
Comment: The FLNC c.3458T>G variant is predicted to result in the amino acid substitution p.Phe1153Cys. This variant has been reported as uncertain in individuals with FLNC-related cardiomyopathies (Table S1, Voinescu et al. 2024. PubMed ID: 38473809; Table S2, Bonaventura et al. 2024. PubMed ID: 38757491). This variant is reported in 0.0093% of alleles in individuals of European (Non-Finnish) descent in gnomAD and is interpreted as uncertain in ClinVar (Variation ID: 374757). At this time, the clinical significance of this variant is uncertain due to the absence of conclusive functional and genetic evidence.

Labcorp Genetics (formerly Invitae), Labcorp
Classification: Uncertain significance for Distal myopathy with posterior leg and anterior hand involvement; Myofibrillar myopathy 5; Hypertrophic cardiomyopathy 26. Last evaluated: 2026-01-21. Review status: criteria provided, single submitter. Criteria: Invitae Variant Classification Sherloc (09022015). Collection method: clinical testing. Allele origin: germline.
Comment: This sequence change replaces phenylalanine, which is neutral and non-polar, with cysteine, which is neutral and slightly polar, at codon 1153 of the FLNC protein (p.Phe1153Cys). This variant is present in population databases (rs138663492, gnomAD 0.009%), and has an allele count higher than expected for a pathogenic variant. This variant has not been reported in the literature in individuals affected with FLNC-related conditions. ClinVar contains an entry for this variant (Variation ID: 374757). Invitae Evidence Modeling of protein sequence and biophysical properties (such as structural, functional, and spatial information, amino acid conservation, physicochemical variation, residue mobility, and thermodynamic stability) has been performed for this missense variant. However, the output from this modeling did not meet the statistical confidence thresholds required to predict the impact of this variant on FLNC protein function. In summary, the available evidence is currently insufficient to determine the role of this variant in disease. Therefore, it has been classified as a Variant of Uncertain Significance.

GeneDx
Classification: Uncertain significance. Last evaluated: 2025-12-26. Review status: criteria provided, single submitter. Criteria: GeneDx Variant Classification Process June 2021. Collection method: clinical testing. Allele origin: germline. Affected: yes.
Comment: In silico analysis supports that this missense variant has a deleterious effect on protein structure/function; This variant is associated with the following publications: (PMID: 26555887, 38757491, 38473809)

Ambry Genetics
Classification: Uncertain significance for Cardiovascular phenotype. Last evaluated: 2025-09-03. Review status: criteria provided, single submitter. Criteria: Ambry Variant Classification Scheme 2023. Collection method: clinical testing. Allele origin: germline.
Comment: The p.F1153C variant (also known as c.3458T>G), located in coding exon 21 of the FLNC gene, results from a T to G substitution at nucleotide position 3458. The phenylalanine at codon 1153 is replaced by cysteine, an amino acid with highly dissimilar properties. This variant was reported in individual(s) with features consistent with FLNC-related cardiomyopathies (Voinescu OR et al. Int J Mol Sci, 2024 Feb;25; Bonaventura J et al. J Am Heart Assoc, 2024 May;13:e033565; Ambry internal data). This amino acid position is highly conserved in available vertebrate species. In addition, the in silico prediction for this alteration is inconclusive. Since supporting evidence is limited at this time, the clinical significance of this alteration remains unclear.

Women's Health and Genetics/Laboratory Corporation of America, LabCorp
Classification: Uncertain significance. Last evaluated: 2025-08-19. Review status: criteria provided, single submitter. Criteria: LabCorp Variant Classification Summary - May 2015. Collection method: clinical testing. Allele origin: germline.
Comment: Variant summary: FLNC c.3458T>G (p.Phe1153Cys) results in a non-conservative amino acid change in the encoded protein sequence. Algorithms developed to predict the effect of missense changes on protein structure and function all suggest that this variant is likely to be disruptive. The variant allele was found at a frequency of 5.6e-05 in 249378 control chromosomes. The observed variant frequency is approximately 5 fold of the estimated maximal expected allele frequency for a pathogenic variant in FLNC causing Cardiomyopathy phenotype (1.1e-05). To our knowledge, no occurrence of c.3458T>G in individuals affected with Cardiomyopathy and no experimental evidence demonstrating its impact on protein function have been reported. ClinVar contains an entry for this variant (Variation ID: 374757). Based on the evidence outlined above, the variant was classified as VUS-possibly benign.

Molecular Diagnostic Laboratory for Inherited Cardiovascular Disease, Montreal Heart Institute
Classification: Uncertain significance for Cardiovascular phenotype. Last evaluated: 2025-04-09. Review status: criteria provided, single submitter. Criteria: ACMG Guidelines, 2015. Collection method: clinical testing. Allele origin: germline. Affected: yes.

Revvity Omics, Revvity
Classification: Uncertain significance. Last evaluated: 2019-12-16. Review status: criteria provided, single submitter. Criteria: ACMG Guidelines, 2015. Collection method: clinical testing. Allele origin: germline.

CeGaT Center for Human Genetics Tuebingen
Classification: Uncertain significance. Last evaluated: 2016-11-30. Review status: criteria provided, single submitter. Criteria: Praxis fuer Humangenetik Tuebingen - Variant Classification Criteria. Collection method: clinical testing. Allele origin: germline. Affected: yes. Observed: 2 variant alleles.

Literature cited by the submitters: PubMed 38473809 (cited by Ambry Genetics); PubMed 38757491 (cited by Ambry Genetics).